The following is an entry in ClinVar:

ClinVar aggregate classification (germline): Uncertain significance (1 of 4 stars; one submission).

gnomAD v4.1: 2 of 1,204,206 alleles (0.00017%); highest among the groups gnomAD compares: Non-Finnish European, 0.00023%; no homozygotes.

Submission:

GeneDx
Classification: Uncertain significance. Last evaluated: 2024-02-01. Review status: criteria provided, single submitter. Criteria: GeneDx Variant Classification Process June 2021. Collection method: clinical testing. Allele origin: germline. Affected: yes.
Comment: Not observed at significant frequency in large population cohorts (gnomAD); In silico analysis supports that this missense variant does not alter protein structure/function; Has not been previously published as pathogenic or benign to our knowledge

NM_001143981.2(CHRDL1):c.1172T>C (p.Phe391Ser)

Gene: CHRDL1 (chordin like 1; minus strand). Cytogenetic location: Xq23.
Variant type: single nucleotide variant.
Coding change: c.1172T>C on transcript NM_001143981.2 (MANE Select); coding-DNA position 1172, T replaced by C.
Protein change: p.Phe391Ser; replaces phenylalanine 391 with serine.
Molecular consequence: missense variant. On other transcripts: non-coding transcript variant (1).
Genome position (GRCh38, 1-based): chrX:110,679,410, A>G on the plus strand (T>C on the coding strand, the complement: CHRDL1 is on the minus strand). VCF-style: chrX-110679410-A-G. GRCh37 (hg19) VCF-style: chrX-109922638-A-G.
Other names: c.1169T>C, p.Phe390Ser (NM_001143982.2); c.932T>C, p.Phe311Ser (NM_001143983.3); c.1172T>C, p.Phe391Ser (NM_001367204.1); c.1157T>C, p.Phe386Ser (NM_001367205.1, NM_001367206.1); c.1154T>C, p.Phe385Ser (NM_001367207.1, NM_001367208.1); c.1141T>C, p.Ser381Pro (NM_001367209.1); c.1166T>C, p.Phe389Ser (NM_145234.4); short protein forms F311S, F385S, F386S, F389S, F390S, F391S, S381P.
Identifiers: ClinVar variation 3368431 (VCV003368431.1).